The following is an entry in ClinVar:

NM_001353921.2(ARHGEF9):c.939C>G (p.Asp313Glu)

Gene: ARHGEF9 (Cdc42 guanine nucleotide exchange factor 9; minus strand). Cytogenetic location: Xq11.1.
Variant type: single nucleotide variant.
Coding change: c.939C>G on transcript NM_001353921.2 (MANE Select); coding-DNA position 939, C replaced by G.
Protein change: p.Asp313Glu; replaces aspartic acid 313 with glutamic acid.
Molecular consequence: missense variant.
Genome position (GRCh38, 1-based): chrX:63,674,044, G>C on the plus strand (C>G on the coding strand, the complement: ARHGEF9 is on the minus strand). VCF-style: chrX-63674044-G-C. GRCh37 (hg19) VCF-style: chrX-62893924-G-C.
Other names: c.759C>G, p.Asp253Glu (NM_001173479.2); c.612C>G, p.Asp204Glu (NM_001173480.2, NM_001369042.1); c.855C>G, p.Asp285Glu (NM_001330495.2, NM_001353927.2, NM_001369033.1 and 8 more transcripts); c.939C>G, p.Asp313Glu (NM_001353922.2); c.957C>G, p.Asp319Glu (NM_001353923.1); c.738C>G, p.Asp246Glu (NM_001353924.2, NM_001353926.2, NM_001369039.1 and 1 more transcripts); c.918C>G, p.Asp306Glu (NM_001353928.2, NM_001369030.1, NM_001369031.1 and 2 more transcripts); c.504C>G, p.Asp168Glu (NM_001369045.1); short protein forms D306E, D168E, D253E, D246E, D285E, D204E, D313E, D319E.
Identifiers: ClinVar variation 383604 (VCV000383604.22), dbSNP rs143490560, ClinGen allele CA10431890.

ClinVar aggregate classification (germline): Benign/Likely benign. Review status: criteria provided, multiple submitters, no conflicts (2 of 4 stars). 5 submissions from 5 submitters: Benign (2); Likely benign (2). 1 of the submissions does not count toward it. Last evaluated 2026-02-02.

Conditions:
Inborn genetic diseases. Identifiers: MedGen C0950123, MeSH D030342.
Developmental and epileptic encephalopathy, 8 (DEE8). Also called: HYPEREKPLEXIA AND EPILEPSY. Identifiers: Orphanet 163985, Orphanet 2076, MedGen C1845102, MONDO:0010375, OMIM 300607.
ARHGEF9-related disorder. Also called: ARHGEF9-related condition.

Allele frequency attached by ClinVar (database versions not stated): 1000 Genomes Project 30x 0.00021; gnomAD 0.00025; 1000 Genomes Project 0.00026; TOPMed 0.00030; ExAC 0.00031; gnomAD exomes 0.00035 and 0.00052; ESP Exome Variant Server 0.00057.
gnomAD v4.1: 586 of 1,209,430 alleles (0.048%); highest among the groups gnomAD compares: Non-Finnish European, 0.063%; no homozygotes.

Submissions (5):

Labcorp Genetics (formerly Invitae), Labcorp
Classification: Benign for Developmental and epileptic encephalopathy, 8. Last evaluated: 2026-02-02. Review status: criteria provided, single submitter. Criteria: Invitae Variant Classification Sherloc (09022015). Collection method: clinical testing. Allele origin: germline.

Ambry Genetics
Classification: Benign for Inborn genetic diseases. Last evaluated: 2025-03-06. Review status: criteria provided, single submitter. Criteria: Ambry Variant Classification Scheme 2023. Collection method: clinical testing. Allele origin: germline.

Blueprint Genetics
Classification: Likely benign. Last evaluated: 2024-09-24. Review status: criteria provided, single submitter. Criteria: ACMG Guidelines, 2015. Collection method: clinical testing. Allele origin: germline.

GeneDx
Classification: Likely benign. Last evaluated: 2019-12-16. Review status: criteria provided, single submitter. Criteria: GeneDx Variant Classification Process June 2021. Collection method: clinical testing. Allele origin: germline. Affected: yes.
Comment: This variant is associated with the following publications: (PMID: 22581972)

PreventionGenetics, part of Exact Sciences
Classification: Likely benign for ARHGEF9-related condition. Last evaluated: 2022-03-02. Review status: no assertion criteria provided. Collection method: clinical testing. Allele origin: germline. Not counted in ClinVar's aggregate classification.
Comment: This variant is classified as likely benign based on ACMG/AMP sequence variant interpretation guidelines (Richards et al. 2015 PMID: 25741868, with internal and published modifications).